The following is an entry in ClinVar:

NM_000359.3(TGM1):c.1281_1282del (p.Asn428fs)

Gene: TGM1 (transglutaminase 1; minus strand). Cytogenetic location: 14q12.
Variant type: Deletion.
Coding change: c.1281_1282del on transcript NM_000359.3 (MANE Select); coding-DNA positions 1281 to 1282, 2 bases deleted (GA; older notation c.1281_1282delGA).
Protein change: p.Asn428fs; shifts the reading frame from asparagine 428.
Molecular consequence: frameshift variant.
Genome position (GRCh38, 1-based): chr14:24,258,551-24,258,552, TC deleted on the plus strand (GA on the coding strand, the reverse complement: TGM1 is on the minus strand). VCF-style (leftmost placement, unchanged base first): chr14-24258550-TTC-T. GRCh37 (hg19) VCF-style: chr14-24727756-TTC-T.
Other names: short protein forms N428fs.
Identifiers: ClinVar variation 1725172 (VCV001725172.2), dbSNP rs2502500080, ClinGen allele CA2580087971.

ClinVar aggregate classification (germline): Likely pathogenic (1 of 4 stars; one submission).

Conditions:
Autosomal recessive congenital ichthyosis 1 (LI1). Also called: DESQUAMATION OF NEWBORN; ICHTHYOSIS CONGENITA; ICHTHYOSIS CONGENITA II; LAMELLAR EXFOLIATION OF NEWBORN; ICHTHYOSIS, CONGENITAL, AUTOSOMAL RECESSIVE 1, WITH BATHING SUIT DISTRIBUTION; ICHTHYOSIS, CONGENITAL, AUTOSOMAL RECESSIVE 1, WITH OR WITHOUT BATHING SUIT DISTRIBUTION. Identifiers: MedGen C4551630, MONDO:0009441, OMIM 242300.

Submission:

Myriad Genetics, Inc.
Classification: Likely pathogenic for Autosomal recessive congenital ichthyosis 1. Last evaluated: 2022-03-11. Review status: criteria provided, single submitter. Criteria: Myriad Women's Health Autosomal Recessive and X-Linked Classification Criteria (2021). Collection method: clinical testing. Allele origin: unknown.
Comment: NM_000359.2(TGM1):c.1281_1282delGA(N428Pfs*2) is expected to be pathogenic in the context of TGM1-related autosomal recessive congenital ichthyosis. This variant is predicted to lead to an abnormal or absent protein product due to the creation of a premature termination codon in TGM1, a gene where loss-of-function variants are known to be pathogenic. Please note: this variant was assessed in the context of healthy population screening.